The following is an entry in ClinVar:

ClinVar aggregate classification (germline): Uncertain significance (1 of 4 stars; one submission).

Conditions:
Familial adenomatous polyposis 1 (FAP1). Also called: FAMILIAL ADENOMATOUS POLYPOSIS 1, ATTENUATED; POLYPOSIS, ADENOMATOUS INTESTINAL. Identifiers: MedGen C2713442, MONDO:0021056, OMIM 175100. Disease mechanism: loss of function.

Submission:

Labcorp Genetics (formerly Invitae), Labcorp
Classification: Uncertain significance for Familial adenomatous polyposis 1. Last evaluated: 2025-09-12. Review status: criteria provided, single submitter. Criteria: Invitae Variant Classification Sherloc (09022015). Collection method: clinical testing. Allele origin: germline.
Comment: This variant occurs in a non-coding region of the APC gene. It does not change the encoded amino acid sequence of the APC protein. This variant is not present in population databases (gnomAD no frequency). This variant has not been reported in the literature in individuals affected with APC-related conditions. ClinVar contains an entry for this variant (Variation ID: 639040). Experimental studies and prediction algorithms are not available or were not evaluated, and the functional significance of this variant is currently unknown. In summary, the available evidence is currently insufficient to determine the role of this variant in disease. Therefore, it has been classified as a Variant of Uncertain Significance.

NC_000005.10:g.112707437_112707451del

Gene: APC (APC regulator of Wnt signaling pathway; plus strand). Cytogenetic location: 5q22.2.
Variant type: Deletion.
Genome position: GRCh38 VCF-style: chr5-112707434-CGCCTGCGCATAACAG-C. GRCh37 (hg19) VCF-style: chr5-112043131-CGCCTGCGCATAACAG-C.
Identifiers: ClinVar variation 639040 (VCV000639040.7), dbSNP rs1219201829, ClinGen allele CA802056909.